The following is an entry in ClinVar:

NM_001080467.3(MYO5B):c.159T>C (p.Asp53=)

Gene: MYO5B (myosin VB; minus strand). Cytogenetic location: 18q21.1.
Variant type: single nucleotide variant.
Coding change: c.159T>C on transcript NM_001080467.3 (MANE Select); coding-DNA position 159, T replaced by C.
Protein change: p.Asp53=; no amino-acid change (aspartic acid 53 retained).
Molecular consequence: synonymous variant.
Genome position (GRCh38, 1-based): chr18:50,040,294, A>G on the plus strand (T>C on the coding strand, the complement: MYO5B is on the minus strand). VCF-style: chr18-50040294-A-G. GRCh37 (hg19) VCF-style: chr18-47566664-A-G.
Identifiers: ClinVar variation 799194 (VCV000799194.8), dbSNP rs751520054, ClinGen allele CA8961963.

ClinVar aggregate classification (germline): Conflicting classifications of pathogenicity. Review status: criteria provided, conflicting classifications (1 of 4 stars). 3 submissions from 3 submitters: Uncertain significance (1); Likely benign (2). Last evaluated 2026-02-23.

Conditions:
Congenital microvillous atrophy (DIAR2). Also called: CONGENITAL FAMILIAL PROTRACTED DIARRHEA WITH ENTEROCYTE BRUSH-BORDER ABNORMALITIES; DAVIDSON DISEASE; MICROVILLUS ATROPHY, CONGENITAL; Diarrhea 2 with microvillus atrophy, with or without cholestasis; Microvillus inclusion disease. Identifiers: Orphanet 2290, MedGen C0341306, MONDO:0009635, OMIM 251850.
MYO5B-related disorder. Also called: MYO5B-related condition.

Allele frequency attached by ClinVar (database versions not stated): gnomAD 0.00001; gnomAD exomes 0.00001 and 0.00002; TOPMed 0.00001; ExAC 0.00002.
gnomAD v4.1: 21 of 1,614,064 alleles (0.0013%); highest among the groups gnomAD compares: East Asian, 0.033%; no homozygotes.

Submissions (3):

PreventionGenetics, part of Exact Sciences
Classification: Likely benign for MYO5B-related condition. Last evaluated: 2026-02-23. Review status: criteria provided, single submitter. Criteria: ACMG Guidelines, 2015. Collection method: clinical testing. Allele origin: germline.
Comment: This variant is classified as likely benign based on ACMG/AMP sequence variant interpretation guidelines (Richards et al. 2015 PMID: 25741868, with internal and published modifications).

Labcorp Genetics (formerly Invitae), Labcorp
Classification: Likely benign. Last evaluated: 2018-12-20. Review status: criteria provided, single submitter. Criteria: Invitae Variant Classification Sherloc (09022015). Collection method: clinical testing. Allele origin: germline.

Illumina Laboratory Services, Illumina
Classification: Uncertain significance for Congenital microvillous atrophy. Last evaluated: 2018-01-13. Review status: criteria provided, single submitter. Criteria: ICSL Variant Classification Criteria 13 December 2019. Collection method: clinical testing. Allele origin: germline.